The following is an entry in ClinVar:

NM_012210.4(TRIM32):c.283G>C (p.Val95Leu)

Genes: ASTN2 (astrotactin 2; minus strand), TRIM32 (tripartite motif containing 32; plus strand). Cytogenetic location: 9q33.1.
Variant type: single nucleotide variant.
Coding change: c.283G>C on transcript NM_012210.4 (MANE Select); coding-DNA position 283, G replaced by C.
Protein change: p.Val95Leu; replaces valine 95 with leucine.
Molecular consequence: missense variant. On other transcripts: intron variant (3).
Genome position (GRCh38, 1-based): chr9:116,698,025, G>C. VCF-style: chr9-116698025-G-C. GRCh37 (hg19) VCF-style: chr9-119460304-G-C.
Other names: c.283G>C, p.Val95Leu (NM_001099679.2, NM_001379048.1, NM_001379049.1 and 1 more transcripts); c.2653+27746C>G (NM_014010.5); c.2794+27746C>G (NM_001365069.1); c.2806+27746C>G (NM_001365068.1); short protein forms V95L.
Identifiers: ClinVar variation 3349221 (VCV003349221.1).
Genomic context (GRCh38, chr9:116,698,025, plus strand): 5'-CAGCTGACAGACAATCTGACAGTGCTAAAGATCATTGATACAGCTGGGCTCAGCGAGGCT[G>C]TGGGGCTGCTCATGTGTCGGTCCTGTGGGCGGCGTCTGCCCCGGCAATTCTGCCGGAGCT-3'
Protein context (NP_036342.2, residues 85-105): IIDTAGLSEA[Val95Leu]GLLMCRSCGR

ClinVar aggregate classification (germline): Uncertain significance (0 of 4 stars; one submission).

Conditions:
TRIM32-related disorder. Also called: TRIM32-related condition.

Submission:

PreventionGenetics, part of Exact Sciences
Classification: Uncertain significance for TRIM32-related condition. Last evaluated: 2023-12-14. Review status: no assertion criteria provided. Collection method: clinical testing. Allele origin: germline.
Comment: The TRIM32 c.283G>C variant is predicted to result in the amino acid substitution p.Val95Leu. To our knowledge, this variant has not been reported in the literature or in a large population database, indicating this variant is rare. At this time, the clinical significance of this variant is uncertain due to the absence of conclusive functional and genetic evidence.